The following is an entry in ClinVar:

NM_017831.4(RNF125):c.679A>C (p.Asn227His)

Gene: RNF125 (ring finger protein 125; plus strand). Cytogenetic location: 18q12.1.
Variant type: single nucleotide variant.
Coding change: c.679A>C on transcript NM_017831.4 (MANE Select); coding-DNA position 679, A replaced by C.
Protein change: p.Asn227His; replaces asparagine 227 with histidine.
Molecular consequence: missense variant. On other transcripts: intron variant (2).
Genome position (GRCh38, 1-based): chr18:32,068,364, A>C. VCF-style: chr18-32068364-A-C. GRCh37 (hg19) VCF-style: chr18-29648327-A-C.
Other names: c.612+2355A>C (NM_001436860.1); c.505-19534A>C (NM_001436861.1); short protein forms N227H.
Identifiers: ClinVar variation 4765011 (VCV004765011.1).

ClinVar aggregate classification (germline): Uncertain significance (1 of 4 stars; one submission).

Conditions:
Tenorio syndrome (TNORS). Also called: OVERGROWTH, MACROCEPHALY, AND INTELLECTUAL DISABILITY SYNDROME. Identifiers: MedGen C4015710, MONDO:0014553, OMIM 616260.

gnomAD v4.1: 1 of 1,590,082 alleles (0.000063%); highest among the groups gnomAD compares: Admixed American, 0.0017%; no homozygotes.

Submission:

Labcorp Genetics (formerly Invitae), Labcorp
Classification: Uncertain significance for Tenorio syndrome. Last evaluated: 2025-02-19. Review status: criteria provided, single submitter. Criteria: Invitae Variant Classification Sherloc (09022015). Collection method: clinical testing. Allele origin: germline.
Comment: This sequence change replaces asparagine, which is neutral and polar, with histidine, which is basic and polar, at codon 227 of the RNF125 protein (p.Asn227His). This variant is present in population databases (rs776728236, gnomAD 0.003%). This variant has not been reported in the literature in individuals affected with RNF125-related conditions. An algorithm developed to predict the effect of missense changes on protein structure and function (PolyPhen-2) suggests that this variant is likely to be tolerated. In summary, the available evidence is currently insufficient to determine the role of this variant in disease. Therefore, it has been classified as a Variant of Uncertain Significance.